The following is an entry in ClinVar:

ClinVar aggregate classification (germline): Uncertain significance (1 of 4 stars; one submission).

Conditions:
Chondrodysplasia punctata, brachytelephalangic, autosomal. Also called: BRACHYTELEPHALANGIC CHONDRODYSPLASIA PUNCTATA. Identifiers: MedGen C1844853, MONDO:0011238, OMIM 602497.

gnomAD v4.1: 6 of 1,211,420 alleles (0.0005%); highest among the groups gnomAD compares: Non-Finnish European, 0.00067%; no homozygotes.

Submission:

Labcorp Genetics (formerly Invitae), Labcorp
Classification: Uncertain significance for Chondrodysplasia punctata, brachytelephalangic, autosomal. Last evaluated: 2024-11-14. Review status: criteria provided, single submitter. Criteria: Invitae Variant Classification Sherloc (09022015). Collection method: clinical testing. Allele origin: germline.
Comment: This sequence change replaces serine, which is neutral and polar, with leucine, which is neutral and non-polar, at codon 223 of the ARSE protein (p.Ser223Leu). This variant is present in population databases (rs752659017, gnomAD 0.005%). This variant has not been reported in the literature in individuals affected with ARSE-related conditions. Invitae Evidence Modeling of protein sequence and biophysical properties (such as structural, functional, and spatial information, amino acid conservation, physicochemical variation, residue mobility, and thermodynamic stability) indicates that this missense variant is not expected to disrupt ARSE protein function with a negative predictive value of 80%. In summary, the available evidence is currently insufficient to determine the role of this variant in disease. Therefore, it has been classified as a Variant of Uncertain Significance.

NM_000047.3(ARSL):c.668C>T (p.Ser223Leu)

Gene: ARSL (arylsulfatase L; minus strand). Cytogenetic location: Xp22.33.
Variant type: single nucleotide variant.
Coding change: c.668C>T on transcript NM_000047.3 (MANE Select); coding-DNA position 668, C replaced by T.
Protein change: p.Ser223Leu; replaces serine 223 with leucine.
Molecular consequence: missense variant.
Genome position (GRCh38, 1-based): chrX:2,949,490, G>A on the plus strand (C>T on the coding strand, the complement: ARSL is on the minus strand). VCF-style: chrX-2949490-G-A. GRCh37 (hg19) VCF-style: chrX-2867531-G-A.
Other names: c.743C>T, p.Ser248Leu (NM_001282628.2, NM_001369080.1); c.506C>T, p.Ser169Leu (NM_001282631.2); c.695C>T, p.Ser232Leu (NM_001369079.1); short protein forms S248L, S223L, S232L, S169L.
Identifiers: ClinVar variation 3634773 (VCV003634773.2).
Genomic context (GRCh38, chrX:2,949,490, plus strand): 5'-AAATAGGAGCTTGCGAGGAGGAGGACGGCCGAAAGGGCTGACCAGATGACCGGCATCCAC[G>A]AGACGGGTATCAGGTGTGTGAGCTTCCCTGCTACCAGTGTGAGGGCAACCAAGGCCAGGA-3'
Protein context (NP_000038.2, residues 213-233): AGKLTHLIPV[Ser223Leu]WMPVIWSALS